The following is an entry in ClinVar:

ClinVar aggregate classification (germline): Uncertain significance. Review status: criteria provided, multiple submitters, no conflicts (2 of 4 stars). 2 submissions from 2 submitters: Uncertain significance (2). Last evaluated 2025-09-30.

Conditions:
Atypical hemolytic-uremic syndrome with C3 anomaly. Also called: AHUS, SUSCEPTIBILITY TO, 5. Identifiers: Orphanet 2134, MedGen C2752037, MONDO:0013043, OMIM 612925.
Age related macular degeneration 9. Identifiers: MedGen C1969651, MONDO:0012659, OMIM 611378.
Complement component 3 deficiency. Identifiers: Orphanet 280133, MedGen C3151071, MONDO:0013417, OMIM 613779.
C3 glomerulonephritis. Also called: Nephropathy due to CFHR5 Deficiency; C3 GLOMERULOPATHY 3. Identifiers: Orphanet 329931, MedGen C4055342, MONDO:0013892, OMIM 614809.
Atypical hemolytic-uremic syndrome. Identifiers: Orphanet 2134, MedGen C2931788, MONDO:0016244.

Submissions (2):

Genomenon, Inc
Classification: Uncertain significance for Complement component 3 deficiency; C3 glomerulonephritis; Atypical hemolytic-uremic syndrome. Last evaluated: 2025-09-30. Review status: criteria provided, single submitter. Criteria: Genomenon Sequence Variant Interpretation Standards. Collection method: curation. Allele origin: germline. Affected: no.
Comment: C3 p.Glu1032Ala (c.3095A>C) is a missense variant that changes the amino acid at residue 1032 from Glutamic acid to Alanine. This variant has been reported in the published literature (PMID:25488663;20951140;11034390;20083651;28254726;20091675;17434528;15187133). It is absent or not present at a significant frequency in gnomAD. In silico models agree that this variant is not damaging. In conclusion, we classify C3 p.Glu1032Ala (c.3095A>C) as a variant of unknown significance.

Fulgent Genetics
Classification: Uncertain significance for Age related macular degeneration 9; Atypical hemolytic-uremic syndrome with C3 anomaly; Complement component 3 deficiency. Last evaluated: 2024-06-04. Review status: criteria provided, single submitter. Criteria: ACMG Guidelines, 2015. Collection method: clinical testing. Allele origin: germline.

Literature cited by the submitters: PubMed 25488663 (cited by Genomenon, Inc); PubMed 20951140 (cited by Genomenon, Inc); PubMed 11034390 (cited by Genomenon, Inc); PubMed 20083651 (cited by Genomenon, Inc); PubMed 28254726 (cited by Genomenon, Inc); PubMed 20091675 (cited by Genomenon, Inc); PubMed 17434528 (cited by Genomenon, Inc); PubMed 15187133 (cited by Genomenon, Inc).

NM_000064.4(C3):c.3095A>C (p.Glu1032Ala)

Gene: C3 (complement C3; minus strand). Cytogenetic location: 19p13.3.
Variant type: single nucleotide variant.
Coding change: c.3095A>C on transcript NM_000064.4 (MANE Select); coding-DNA position 3095, A replaced by C.
Protein change: p.Glu1032Ala; replaces glutamic acid 1032 with alanine.
Molecular consequence: missense variant.
Genome position (GRCh38, 1-based): chr19:6,694,490, T>G on the plus strand (A>C on the coding strand, the complement: C3 is on the minus strand). VCF-style: chr19-6694490-T-G. GRCh37 (hg19) VCF-style: chr19-6694501-T-G.
Other names: short protein forms E1032A.
Identifiers: ClinVar variation 3584114 (VCV003584114.2).